The following is an entry in ClinVar:

NM_007327.4(GRIN1):c.1679G>A (p.Ser560Asn)

Gene: GRIN1 (glutamate ionotropic receptor NMDA type subunit 1; plus strand). Cytogenetic location: 9q34.3.
Variant type: single nucleotide variant.
Coding change: c.1679G>A on transcript NM_007327.4 (MANE Select); coding-DNA position 1679, G replaced by A.
Protein change: p.Ser560Asn; replaces serine 560 with asparagine.
Molecular consequence: missense variant.
Genome position (GRCh38, 1-based): chr9:137,162,218, G>A. VCF-style: chr9-137162218-G-A. GRCh37 (hg19) VCF-style: chr9-140056670-G-A.
Other names: c.1679G>A, p.Ser560Asn (NM_000832.7, NM_021569.4); c.1742G>A, p.Ser581Asn (NM_001185090.2, NM_001185091.2); short protein forms S581N, S560N.
Identifiers: ClinVar variation 2130273 (VCV002130273.4), dbSNP rs2538637032, ClinGen allele CA375717879.
Genomic context (GRCh38, chr9:137,162,218, plus strand): 5'-GCGTCCCTCCGCAGGAGATTCCCCGGAGCACGCTGGACTCGTTCATGCAGCCGTTCCAGA[G>A]CACACTGTGGCTGCTGGTGGGGCTGTCGGTGCACGTGGTGGCCGTGATGCTGTACCTGCT-3'
Protein context (NP_015566.1, residues 550-570): TLDSFMQPFQ[Ser560Asn]TLWLLVGLSV

ClinVar aggregate classification (germline): Uncertain significance (1 of 4 stars; one submission).

Conditions:
Neurodevelopmental disorder with or without hyperkinetic movements and seizures, autosomal dominant. Also called: Intellectual disability, autosomal dominant 8. Identifiers: MedGen C3280282, MONDO:0013655, OMIM 614254.

Submission:

Labcorp Genetics (formerly Invitae), Labcorp
Classification: Uncertain significance for Neurodevelopmental disorder with or without hyperkinetic movements and seizures, autosomal dominant. Last evaluated: 2022-04-24. Review status: criteria provided, single submitter. Criteria: Invitae Variant Classification Sherloc (09022015). Collection method: clinical testing. Allele origin: germline.
Comment: This sequence change replaces serine, which is neutral and polar, with asparagine, which is neutral and polar, at codon 560 of the GRIN1 protein (p.Ser560Asn). In summary, the available evidence is currently insufficient to determine the role of this variant in disease. Therefore, it has been classified as a Variant of Uncertain Significance. Advanced modeling of protein sequence and biophysical properties (such as structural, functional, and spatial information, amino acid conservation, physicochemical variation, residue mobility, and thermodynamic stability) performed at Invitae indicates that this missense variant is expected to disrupt GRIN1 protein function. This variant has not been reported in the literature in individuals affected with GRIN1-related conditions. This variant is not present in population databases (gnomAD no frequency).